The following is an entry in ClinVar:

ClinVar aggregate classification (germline): Uncertain significance. Review status: reviewed by expert panel (3 of 4 stars). 3 submissions from 3 submitters: Uncertain significance (1). 2 of the submissions do not count toward it. Last evaluated 2023-08-21.

Conditions:
CDH1-related diffuse gastric and lobular breast cancer syndrome. Also called: CDH1-related diffuse gastric and lobular breast cancer. Identifiers: MedGen CN311521, MONDO:0100488.
Hereditary cancer-predisposing syndrome. Also called: Tumor predisposition; Neoplastic Syndromes, Hereditary; Hereditary Cancer Syndrome; Hereditary neoplastic syndrome. Identifiers: Orphanet 140162, MedGen C0027672, MeSH D009386, MONDO:0015356.
Hereditary diffuse gastric adenocarcinoma (HDGC). Also called: DIFFUSE GASTRIC AND LOBULAR BREAST CANCER SYNDROME. Identifiers: Orphanet 26106, MedGen C1708349, MONDO:0007648, OMIM 137215.

Submissions (3):

Clingen Gastric Cancer Variant Curation Expert Panel
Classification: Uncertain significance for CDH1-related diffuse gastric and lobular breast cancer syndrome. Last evaluated: 2023-08-21. Review status: reviewed by expert panel. Criteria: ClinGen CDH1 ACMG Specifications V3.1. Collection method: curation. Allele origin: germline. Inheritance: Autosomal dominant inheritance.
Comment: The c.635G>T (p.Gly212Val) variant is absent in the gnomAD cohort (PM2_Supporting). This variant has been reported in at least one family meeting HDGC clinical criteria (PS4_Supporting; SCV000661629.1). In summary, the clinical significance of this variant is uncertain. ACMG/AMP criteria applied, as specified by the CDH1 Variant Curation Expert Panel (Variant Interpretation Guidelines Version 3.1): PM2_Supporting, PS4_Supporting.

Ambry Genetics
Classification: Likely pathogenic for Hereditary cancer-predisposing syndrome. Last evaluated: 2022-10-12. Review status: criteria provided, single submitter. Criteria: Ambry Variant Classification Scheme 2023. Collection method: clinical testing. Allele origin: germline. Not counted in ClinVar's aggregate classification.
Comment: The p.G212V variant (also known as c.635G>T), located in coding exon 5 of the CDH1 gene, results from a G to T substitution at nucleotide position 635. The glycine at codon 212 is replaced by valine, an amino acid with dissimilar properties. This alteration has been observed in at least one individual with a personal and/or family history that is consistent with CDH1-related disease (Ambry internal data). Another alteration at the same codon, p.G212E (c.635G>A), has been reported to segregate with diffuse gastric cancer (Figueiredo J et al. Cancers (Basel), 2021 Aug;13:). The p.G212V variant is considered to be rare based on population cohorts in the Genome Aggregation Database (gnomAD). This amino acid position is highly conserved in available vertebrate species. Based on internal structural analysis, G212V is strongly disruptive to the structure of the CDH1 EC1 domain, above the structurally deleterious threshold for native structures [27120112, 21300292]. Based on the majority of available evidence to date, this variant is likely to be pathogenic.

Labcorp Genetics (formerly Invitae), Labcorp
Classification: Likely pathogenic for Hereditary diffuse gastric adenocarcinoma. Last evaluated: 2022-03-10. Review status: criteria provided, single submitter. Criteria: Invitae Variant Classification Sherloc (09022015). Collection method: clinical testing. Allele origin: germline. Not counted in ClinVar's aggregate classification.
Comment: In summary, the currently available evidence indicates that the variant is pathogenic, but additional data are needed to prove that conclusively. Therefore, this variant has been classified as Likely Pathogenic. RNA analysis performed to evaluate the impact of this missense change on mRNA splicing indicates it does not significantly alter splicing (External communication). Algorithms developed to predict the effect of missense changes on protein structure and function (SIFT, PolyPhen-2, Align-GVGD) all suggest that this variant is likely to be disruptive. ClinVar contains an entry for this variant (Variation ID: 479488). This missense change has been observed in individuals with clinical features of hereditary diffuse gastric cancer syndrome (Invitae; External communication). It has also been observed to segregate with disease in related individuals. This variant is not present in population databases (gnomAD no frequency). This sequence change replaces glycine, which is neutral and non-polar, with valine, which is neutral and non-polar, at codon 212 of the CDH1 protein (p.Gly212Val).

Literature cited by the submitters: PubMed 34503169 (cited by Ambry Genetics).

NM_004360.5(CDH1):c.635G>T (p.Gly212Val)

Gene: CDH1 (cadherin 1; plus strand). Cytogenetic location: 16q22.1.
Variant type: single nucleotide variant.
Coding change: c.635G>T on transcript NM_004360.5 (MANE Select); coding-DNA position 635, G replaced by T.
Protein change: p.Gly212Val; replaces glycine 212 with valine.
Molecular consequence: missense variant. On other transcripts: 5 prime UTR variant (2).
Genome position (GRCh38, 1-based): chr16:68,808,796, G>T. VCF-style: chr16-68808796-G-T. GRCh37 (hg19) VCF-style: chr16-68842699-G-T.
Other names: NM_004360.4(CDH1):c.635G>T; c.635G>T, p.Gly212Val (NM_001317184.2); c.-981G>T (NM_001317185.2); c.-1185G>T (NM_001317186.2); c.635G>T (LRG_301t1); short protein forms G212V.
Identifiers: ClinVar variation 479488 (VCV000479488.19), dbSNP rs1555515276, ClinGen allele CA396458057.